The following is an entry in ClinVar:

ClinVar aggregate classification (germline): Uncertain significance (1 of 4 stars; one submission).

Conditions:
RASopathy. Also called: rasopathies; Noonan spectrum disorder. Identifiers: Orphanet 536391, MedGen C5555857, MONDO:0021060.

gnomAD v4.1: 15 of 1,613,990 alleles (0.00093%); highest among the groups gnomAD compares: African/African-American, 0.0013%; no homozygotes.

Submission:

Labcorp Genetics (formerly Invitae), Labcorp
Classification: Uncertain significance for RASopathy. Last evaluated: 2024-04-15. Review status: criteria provided, single submitter. Criteria: Invitae Variant Classification Sherloc (09022015). Collection method: clinical testing. Allele origin: germline.
Comment: This sequence change replaces leucine, which is neutral and non-polar, with arginine, which is basic and polar, at codon 1273 of the SOS1 protein (p.Leu1273Arg). This variant is present in population databases (no rsID available, gnomAD 0.0009%). This variant has not been reported in the literature in individuals affected with SOS1-related conditions. Advanced modeling of protein sequence and biophysical properties (such as structural, functional, and spatial information, amino acid conservation, physicochemical variation, residue mobility, and thermodynamic stability) performed at Invitae indicates that this missense variant is not expected to disrupt SOS1 protein function with a negative predictive value of 80%. In summary, the available evidence is currently insufficient to determine the role of this variant in disease. Therefore, it has been classified as a Variant of Uncertain Significance.

NM_005633.4(SOS1):c.3818T>G (p.Leu1273Arg)

Gene: SOS1 (SOS Ras/Rac guanine nucleotide exchange factor 1; minus strand). Cytogenetic location: 2p22.1.
Variant type: single nucleotide variant.
Coding change: c.3818T>G on transcript NM_005633.4 (MANE Select); coding-DNA position 3818, T replaced by G.
Protein change: p.Leu1273Arg; replaces leucine 1273 with arginine.
Molecular consequence: missense variant.
Genome position (GRCh38, 1-based): chr2:38,986,008, A>C on the plus strand (T>G on the coding strand, the complement: SOS1 is on the minus strand). VCF-style: chr2-38986008-A-C. GRCh37 (hg19) VCF-style: chr2-39213149-A-C.
Other names: c.3797T>G, p.Leu1266Arg (NM_001382394.1); c.3773T>G, p.Leu1258Arg (NM_001382395.1); short protein forms L1273R, L1258R, L1266R.
Identifiers: ClinVar variation 3708786 (VCV003708786.2).